The following is an entry in ClinVar:

NC_012920.1(MT-ATP6):m.8578C>T

Gene: MT-ATP6 (mitochondrially encoded ATP synthase 6; plus strand).
Variant type: single nucleotide variant.
Genome position: chrM-8578-C-T.
Identifiers: ClinVar variation 692910 (VCV000692910.2), dbSNP rs1556423492, ClinGen allele CA414796782.
Genomic context (GRCh38, chrMT:8,578, plus strand): 5'-AGAACCAAAATGAACGAAAATCTGTTCGCTTCATTCATTGCCCCCACAATCCTAGGCCTA[C>T]CCGCCGCAGTACTGATCATTCTATTTCCCCCTCTATTGATCCCCACCTCCAAATATCTCA-3'

ClinVar aggregate classification (germline): Benign/Likely benign. Review status: criteria provided, multiple submitters, no conflicts (2 of 4 stars). 2 submissions from 2 submitters: Benign (1); Likely benign (1). Last evaluated 2025-02-16.

Conditions:
Leigh syndrome (NULS). Also called: Leigh's necrotizing encephalopathy; Leigh's disease; Leigh Syndrome (mtDNA deletion); Leigh Disease; Subacute necrotizing encephalopathy; Necrotizing encephalopathy infantile subacute of Leigh. Identifiers: Orphanet 506, MedGen C2931891, MONDO:0009723, OMIM 256000.

Submissions (2):

Laboratory of Genetics, Children's Clinical University Hospital Latvia
Classification: Likely benign. Last evaluated: 2025-02-16. Review status: criteria provided, single submitter. Criteria: ACMG Guidelines, 2015. Collection method: clinical testing. Allele origin: germline. Affected: yes.

Wong Mito Lab, Molecular and Human Genetics, Baylor College of Medicine
Classification: Benign for Leigh syndrome. Last evaluated: 2019-10-17. Review status: criteria provided, single submitter. Criteria: Modified ACMG Guidelines (Unpublished). Collection method: clinical testing. Allele origin: germline.
Comment: The NC_012920.1:m.8578C>T (YP_003024031.1:p.Pro18Ser) variant in MTATP6 gene is interpretated to be a Benign variant based on the modified ACMG guidelines (unpublished). This variant meets the following evidence codes: BS1, BS2